The following is an entry in ClinVar:

ClinVar aggregate classification (germline): Likely benign. Review status: criteria provided, single submitter (1 of 4 stars). 2 submissions from 2 submitters: Likely benign (1). 1 of the submissions does not count toward it. Last evaluated 2025-06-13.

Conditions:
PKD1L1-related disorder. Also called: PKD1L1-related condition.

Allele frequency attached by ClinVar (database versions not stated): ExAC 0.00044; ESP Exome Variant Server 0.00046; gnomAD 0.00113 and 0.00123; TOPMed 0.00122; 1000 Genomes Project 30x 0.00156; 1000 Genomes Project 0.00160.
gnomAD v4.1: 450 of 1,612,388 alleles (0.028%); highest among the groups gnomAD compares: African/African-American, 0.4%; no homozygotes.

Submissions (2):

Labcorp Genetics (formerly Invitae), Labcorp
Classification: Likely benign. Last evaluated: 2025-06-13. Review status: criteria provided, single submitter. Criteria: Invitae Variant Classification Sherloc (09022015). Collection method: clinical testing. Allele origin: germline.

PreventionGenetics, part of Exact Sciences
Classification: Likely benign for PKD1L1-related condition. Last evaluated: 2021-05-18. Review status: no assertion criteria provided. Collection method: clinical testing. Allele origin: germline. Not counted in ClinVar's aggregate classification.
Comment: This variant is classified as likely benign based on ACMG/AMP sequence variant interpretation guidelines (Richards et al. 2015 PMID: 25741868, with internal and published modifications).

NM_138295.5(PKD1L1):c.2470G>A (p.Ala824Thr)

Gene: PKD1L1 (polycystin 1 like 1, transient receptor potential channel interacting; minus strand). Cytogenetic location: 7p12.3.
Variant type: single nucleotide variant.
Coding change: c.2470G>A on transcript NM_138295.5 (MANE Select); coding-DNA position 2470, G replaced by A.
Protein change: p.Ala824Thr; replaces alanine 824 with threonine.
Molecular consequence: missense variant.
Genome position (GRCh38, 1-based): chr7:47,890,747, C>T on the plus strand (G>A on the coding strand, the complement: PKD1L1 is on the minus strand). VCF-style: chr7-47890747-C-T. GRCh37 (hg19) VCF-style: chr7-47930345-C-T.
Other names: short protein forms A824T.
Identifiers: ClinVar variation 723588 (VCV000723588.8), dbSNP rs79292682, ClinGen allele CA4253723.